The following is an entry in ClinVar:

NM_006080.3(SEMA3A):c.1608T>A (p.Ala536=)

Gene: SEMA3A (semaphorin 3A; minus strand). Cytogenetic location: 7q21.11.
Variant type: single nucleotide variant.
Coding change: c.1608T>A on transcript NM_006080.3 (MANE Select); coding-DNA position 1608, T replaced by A.
Protein change: p.Ala536=; no amino-acid change (alanine 536 retained).
Molecular consequence: synonymous variant.
Genome position (GRCh38, 1-based): chr7:83,981,365, A>T on the plus strand (T>A on the coding strand, the complement: SEMA3A is on the minus strand). VCF-style: chr7-83981365-A-T. GRCh37 (hg19) VCF-style: chr7-83610681-A-T.
Identifiers: ClinVar variation 4991344 (VCV004991344.1).

ClinVar aggregate classification (germline): Likely benign (1 of 4 stars; one submission).

Conditions:
SEMA3A-related disorder. Also called: SEMA3A-related condition.

Submission:

PreventionGenetics, part of Exact Sciences
Classification: Likely benign for SEMA3A-related condition. Last evaluated: 2025-12-16. Review status: criteria provided, single submitter. Criteria: ACMG Guidelines, 2015. Collection method: clinical testing. Allele origin: germline.
Comment: This variant is classified as likely benign based on ACMG/AMP sequence variant interpretation guidelines (Richards et al. 2015 PMID: 25741868, with internal and published modifications).